The following is an entry in ClinVar:

ClinVar aggregate classification (germline): Likely benign. Review status: criteria provided, multiple submitters, no conflicts (2 of 4 stars). 2 submissions from 2 submitters: Likely benign (2). Last evaluated 2025-08-01.

Conditions:
Fanconi anemia (FA). Also called: Fanconi's anemia. Identifiers: Orphanet 84, MedGen C0015625, MeSH D005199, MONDO:0019391.

Allele frequency attached by ClinVar (database versions not stated): gnomAD exomes below 0.00001.
gnomAD v4.1: 2 of 1,614,034 alleles (0.00012%); highest among the groups gnomAD compares: Middle Eastern, 0.017%; no homozygotes.

Submissions (2):

CeGaT Center for Human Genetics Tuebingen
Classification: Likely benign. Last evaluated: 2025-08-01. Review status: criteria provided, single submitter. Criteria: CeGaT Center For Human Genetics Tuebingen Variant Classification Criteria Version 2. Collection method: clinical testing. Allele origin: germline. Affected: yes. Observed: 1 variant allele.
Comment: FANCA: BP4, BP7

Labcorp Genetics (formerly Invitae), Labcorp
Classification: Likely benign for Fanconi anemia. Last evaluated: 2023-05-05. Review status: criteria provided, single submitter. Criteria: Invitae Variant Classification Sherloc (09022015). Collection method: clinical testing. Allele origin: germline.

NM_000135.4(FANCA):c.909T>C (p.Ser303=)

Gene: FANCA (FA complementation group A; minus strand). Cytogenetic location: 16q24.3.
Variant type: single nucleotide variant.
Coding change: c.909T>C on transcript NM_000135.4 (MANE Select); coding-DNA position 909, T replaced by C.
Protein change: p.Ser303=; no amino-acid change (serine 303 retained).
Molecular consequence: synonymous variant.
Genome position (GRCh38, 1-based): chr16:89,796,003, A>G on the plus strand (T>C on the coding strand, the complement: FANCA is on the minus strand). VCF-style: chr16-89796003-A-G. GRCh37 (hg19) VCF-style: chr16-89862411-A-G.
Other names: c.909T>C, p.Ser303= (NM_001286167.3).
Identifiers: ClinVar variation 1591911 (VCV001591911.16), dbSNP rs2143558882, ClinGen allele CA497194164.
Genomic context (GRCh38, chr16:89,796,003, plus strand): 5'-GGTATGACTGAAGAACCTCTTCAGAGGATCTGTGGAAATTACACTGCCAAGCGTGTGTCC[A>G]CTGAACACTCCGAACCTGCCAATGCAGCAGAAAGAGGGGTCAGGAAAGGGAGGGTGCCTT-3'
Protein context (NP_000126.2, residues 293-313): KIVRCWFGVF[Ser303=]GHTLGSVIST